The following is an entry in ClinVar:

NM_022095.4(ZNF335):c.1618C>T (p.Arg540Trp)

Gene: ZNF335 (zinc finger protein 335; minus strand). Cytogenetic location: 20q13.12.
Variant type: single nucleotide variant.
Coding change: c.1618C>T on transcript NM_022095.4 (MANE Select); coding-DNA position 1618, C replaced by T.
Protein change: p.Arg540Trp; replaces arginine 540 with tryptophan.
Molecular consequence: missense variant.
Genome position (GRCh38, 1-based): chr20:45,962,098, G>A on the plus strand (C>T on the coding strand, the complement: ZNF335 is on the minus strand). VCF-style: chr20-45962098-G-A. GRCh37 (hg19) VCF-style: chr20-44590737-G-A.
Other names: short protein forms R540W.
Identifiers: ClinVar variation 1946363 (VCV001946363.5), dbSNP rs780577772, ClinGen allele CA9885678.

ClinVar aggregate classification (germline): Uncertain significance (1 of 4 stars; one submission).

Allele frequency attached by ClinVar (database versions not stated): gnomAD exomes below 0.00001; ExAC 0.00001.

Submission:

Labcorp Genetics (formerly Invitae), Labcorp
Classification: Uncertain significance. Last evaluated: 2025-09-26. Review status: criteria provided, single submitter. Criteria: Invitae Variant Classification Sherloc (09022015). Collection method: clinical testing. Allele origin: germline.
Comment: This sequence change replaces arginine, which is basic and polar, with tryptophan, which is neutral and slightly polar, at codon 540 of the ZNF335 protein (p.Arg540Trp). This variant is present in population databases (rs780577772, gnomAD 0.006%). This variant has not been reported in the literature in individuals affected with ZNF335-related conditions. ClinVar contains an entry for this variant (Variation ID: 1946363). Invitae Evidence Modeling of protein sequence and biophysical properties (such as structural, functional, and spatial information, amino acid conservation, physicochemical variation, residue mobility, and thermodynamic stability) indicates that this missense variant is not expected to disrupt ZNF335 protein function with a negative predictive value of 80%. In summary, the available evidence is currently insufficient to determine the role of this variant in disease. Therefore, it has been classified as a Variant of Uncertain Significance.